The following is an entry in ClinVar:

NM_005219.5(DIAPH1):c.3575-1G>C

Gene: DIAPH1 (diaphanous related formin 1; minus strand). Cytogenetic location: 5q31.3.
Variant type: single nucleotide variant.
Coding change: c.3575-1G>C on transcript NM_005219.5 (MANE Select); the canonical splice acceptor site of the intron before coding-DNA position 3575, G replaced by C.
Molecular consequence: splice acceptor variant.
Genome position (GRCh38, 1-based): chr5:141,524,230, C>G on the plus strand (G>C on the coding strand, the complement: DIAPH1 is on the minus strand). VCF-style: chr5-141524230-C-G. GRCh37 (hg19) VCF-style: chr5-140903797-C-G.
Other names: c.3548-1G>C (NM_001079812.3); c.3575-1G>C (NM_001314007.2).
Identifiers: ClinVar variation 4857402 (VCV004857402.1).

ClinVar aggregate classification (germline): Pathogenic (1 of 4 stars; one submission).

Conditions:
Autosomal dominant nonsyndromic hearing loss 1. Also called: KONIGSMARK SYNDROME; DEAFNESS, AUTOSOMAL DOMINANT 1, WITH OR WITHOUT THROMBOCYTOPENIA. Identifiers: Orphanet 90635, MedGen C1852282, MONDO:0007424, OMIM 124900.

Submission:

Precision Medicine Center, Zhengzhou University
Classification: Pathogenic for Autosomal dominant nonsyndromic hearing loss 1. Last evaluated: 2006-06-30. Review status: criteria provided, single submitter. Criteria: ClinGen HL ACMG Specifications v1. Collection method: clinical testing. Allele origin: unknown. Affected: yes.
Comment: PVS1+PM2:The DIAPH1 c.3575-1G>C variant affects the canonical splice acceptor site and is predicted to disrupt normal RNA splicing, resulting in loss of function (PVS1). The variant is absent or extremely rare in population databases (PM2). According to the ACMG/AMP guidelines, this variant is classified as Pathogenic.